The following is an entry in ClinVar:

ClinVar aggregate classification (germline): Uncertain significance. Review status: criteria provided, multiple submitters, no conflicts (2 of 4 stars). 4 submissions from 4 submitters: Uncertain significance (4). Last evaluated 2026-04-14.

Conditions:
Cardiomyopathy (CMYO). Also called: Cardiomyopathies. Identifiers: Orphanet 167848, MedGen C0878544, MONDO:0004994, HP:0001638. Inheritance: Various modes of inheritance.
Arrhythmogenic right ventricular dysplasia 10. Also called: ARRHYTHMOGENIC RIGHT VENTRICULAR DYSPLASIA, FAMILIAL, 10; Arrhythmogenic Right Ventricular Dysplasia/Cardiomyopathy10; Arrhythmogenic right ventricular dysplasia/cardiomyopathy, type 10. Identifiers: MedGen C1857777, MONDO:0012434, OMIM 610193.
Cardiovascular phenotype. Identifiers: MedGen CN230736.

Allele frequency attached by ClinVar (database versions not stated): TOPMed 0.00002; gnomAD 0.00001.
gnomAD v4.1: 6 of 1,613,772 alleles (0.00037%); highest among the groups gnomAD compares: African/African-American, 0.0013%; no homozygotes.

Submissions (4):

GeneDx
Classification: Uncertain significance. Last evaluated: 2026-04-14. Review status: criteria provided, single submitter. Criteria: GeneDx Variant Classification Process June 2021. Collection method: clinical testing. Allele origin: germline.
Comment: Not observed at significant frequency in large population cohorts (gnomAD); In silico analysis supports that this missense variant has a deleterious effect on protein structure/function; Has not been previously published as pathogenic or benign to our knowledge

Ambry Genetics
Classification: Uncertain significance for Cardiovascular phenotype. Last evaluated: 2026-03-17. Review status: criteria provided, single submitter. Criteria: Ambry Variant Classification Scheme 2023. Collection method: clinical testing. Allele origin: germline.

Labcorp Genetics (formerly Invitae), Labcorp
Classification: Uncertain significance for Arrhythmogenic right ventricular dysplasia 10. Last evaluated: 2025-12-16. Review status: criteria provided, single submitter. Criteria: Invitae Variant Classification Sherloc (09022015). Collection method: clinical testing. Allele origin: germline.
Comment: This sequence change replaces glutamic acid, which is acidic and polar, with valine, which is neutral and non-polar, at codon 96 of the DSG2 protein (p.Glu96Val). This variant is not present in population databases (gnomAD no frequency). This variant has not been reported in the literature in individuals affected with DSG2-related conditions. ClinVar contains an entry for this variant (Variation ID: 921521). Invitae Evidence Modeling of protein sequence and biophysical properties (such as structural, functional, and spatial information, amino acid conservation, physicochemical variation, residue mobility, and thermodynamic stability) has been performed for this missense variant. However, the output from this modeling did not meet the statistical confidence thresholds required to predict the impact of this variant on DSG2 protein function. In summary, the available evidence is currently insufficient to determine the role of this variant in disease. Therefore, it has been classified as a Variant of Uncertain Significance.

Color Diagnostics, LLC DBA Color Health
Classification: Uncertain significance for Cardiomyopathy. Last evaluated: 2024-03-06. Review status: criteria provided, single submitter. Criteria: ACMG Guidelines, 2015. Collection method: clinical testing. Allele origin: germline.
Comment: This missense variant replaces glutamic acid with valine at codon 96 of the DSG2 protein. Computational prediction tool is inconclusive regarding the impact of this variant on protein structure and function (internally defined REVEL score threshold 0.5 < inconclusive < 0.7, PMID: 27666373). Splice site prediction tools suggest that this variant may not impact RNA splicing. To our knowledge, functional studies have not been performed for this variant. This variant has not been reported in individuals affected with cardiovascular disorders in the literature. This variant has not been identified in the general population by the Genome Aggregation Database (gnomAD). The available evidence is insufficient to determine the role of this variant in disease conclusively. Therefore, this variant is classified as a Variant of Uncertain Significance.

NM_001943.5(DSG2):c.287A>T (p.Glu96Val)

Gene: DSG2 (desmoglein 2; plus strand). Cytogenetic location: 18q12.1.
Variant type: single nucleotide variant.
Coding change: c.287A>T on transcript NM_001943.5 (MANE Select); coding-DNA position 287, A replaced by T.
Protein change: p.Glu96Val; replaces glutamic acid 96 with valine.
Molecular consequence: missense variant.
Genome position (GRCh38, 1-based): chr18:31,520,873, A>T. VCF-style: chr18-31520873-A-T. GRCh37 (hg19) VCF-style: chr18-29100836-A-T.
Other names: c.287A>T (NM_001943.3); short protein forms E96V.
Identifiers: ClinVar variation 921521 (VCV000921521.10), dbSNP rs2073123571, ClinGen allele CA402131466.